The following is an entry in ClinVar:

NM_001039591.3(USP9X):c.6311T>G (p.Leu2104Arg)

Gene: USP9X (ubiquitin specific peptidase 9 X-linked; plus strand). Cytogenetic location: Xp11.4.
Variant type: single nucleotide variant.
Coding change: c.6311T>G on transcript NM_001039591.3 (MANE Select); coding-DNA position 6311, T replaced by G.
Protein change: p.Leu2104Arg; replaces leucine 2104 with arginine.
Molecular consequence: missense variant.
Genome position (GRCh38, 1-based): chrX:41,218,473, T>G. VCF-style: chrX-41218473-T-G. GRCh37 (hg19) VCF-style: chrX-41077726-T-G.
Other names: c.6311T>G, p.Leu2104Arg (NM_001039590.3); c.6326T>G, p.Leu2109Arg (NM_001410748.1, NM_001410749.1); short protein forms L2104R, L2109R.
Identifiers: ClinVar variation 3769595 (VCV003769595.1).

ClinVar aggregate classification (germline): Likely pathogenic (1 of 4 stars; one submission).

Conditions:
Neurodevelopmental abnormality. Identifiers: MedGen C4022737, HP:0012759.

Submission:

Clinical Genetics Laboratory, Skane University Hospital Lund
Classification: Likely pathogenic for Neurodevelopmental abnormality. Last evaluated: 2024-09-26. Review status: criteria provided, single submitter. Criteria: ACMG Guidelines, 2015. Collection method: clinical testing. Allele origin: de novo. Inheritance: X-linked dominant inheritance. Affected: yes.
Comment: ACMG criteria used: PS2, PM2, PP3